The following is an entry in ClinVar:

ClinVar aggregate classification (germline): Uncertain significance (1 of 4 stars; one submission).

Submission:

GeneDx
Classification: Uncertain significance. Last evaluated: 2024-05-26. Review status: criteria provided, single submitter. Criteria: GeneDx Variant Classification Process June 2021. Collection method: clinical testing. Allele origin: germline. Affected: yes.
Comment: Not observed at significant frequency in large population cohorts (gnomAD); Has not been previously published as pathogenic or benign to our knowledge; Frameshift variant predicted to result in protein truncation or nonsense mediated decay in a gene for which loss-of-function is not a known mechanism of disease

NM_212482.4(FN1):c.3010del (p.Gln1004fs)

Gene: FN1 (fibronectin 1; minus strand). Cytogenetic location: 2q35.
Variant type: Deletion.
Coding change: c.3010del on transcript NM_212482.4 (MANE Select); coding-DNA position 3010, one base deleted (C; older notation c.3010delC).
Protein change: p.Gln1004fs; shifts the reading frame from glutamine 1004.
Molecular consequence: frameshift variant.
Genome position (GRCh38, 1-based): chr2:215,404,632, G deleted on the plus strand (C on the coding strand, the reverse complement: FN1 is on the minus strand); the first of 2 consecutive G bases (chr2:215,404,632-215,404,633); deleting either gives the same sequence. VCF-style (leftmost placement, unchanged base first): chr2-215404631-TG-T. GRCh37 (hg19) VCF-style: chr2-216269354-TG-T.
Other names: c.3010del, p.Gln1004fs (NM_001306129.2, NM_001306130.2, NM_001306131.2 and 13 more transcripts); short protein forms Q1004fs.
Identifiers: ClinVar variation 3383696 (VCV003383696.1).
Genomic context (GRCh38, chr2:215,404,631, plus strand): 5'-ATCTGGGCCCGAGGTGGAGTCCATCTCACCAGGACAGTAGAATCAGTTTCATTGACAAAC[TG>T]GAGGTTAGTGGGAGCATCCAGTTCTAGGAAAAAAGATGAAACATGCCAAGAAATATTTAG-3'